The following is an entry in ClinVar:

ClinVar aggregate classification (germline): Uncertain significance. Review status: criteria provided, multiple submitters, no conflicts (2 of 4 stars). 2 submissions from 2 submitters: Uncertain significance (2). Last evaluated 2025-05-09.

Conditions:
Inborn genetic diseases. Identifiers: MedGen C0950123, MeSH D030342.

Submissions (2):

Ambry Genetics
Classification: Uncertain significance for Inborn genetic diseases. Last evaluated: 2025-05-09. Review status: criteria provided, single submitter. Criteria: Ambry Variant Classification Scheme 2023. Collection method: clinical testing. Allele origin: germline.
Comment: The c.74C>T (p.P25L) alteration is located in exon 2 (coding exon 2) of the CTR9 gene. This alteration results from a C to T substitution at nucleotide position 74, causing the proline (P) at amino acid position 25 to be replaced by a leucine (L). This variant was not reported in population-based cohorts in the Genome Aggregation Database (gnomAD). Other variants at the same codon, c.73C>G (p.P25A) and c.74C>G (p.P25R), have been identified in individuals with features consistent with CTR9-related neurodevelopmental disorder (Hamanaka, 2022; Meuwissen, 2022; Suzuki, 2022; Ambry internal data). This amino acid position is highly conserved in available vertebrate species. This missense alteration is located in a region that has a low rate of benign missense variation (Lek, 2016; Firth, 2009). The in silico prediction for this alteration is inconclusive. Based on insufficient or conflicting evidence, the clinical significance of this alteration remains unclear.

Labcorp Genetics (formerly Invitae), Labcorp
Classification: Uncertain significance. Last evaluated: 2023-04-29. Review status: criteria provided, single submitter. Criteria: Invitae Variant Classification Sherloc (09022015). Collection method: clinical testing. Allele origin: germline.
Comment: In summary, the available evidence is currently insufficient to determine the role of this variant in disease. Therefore, it has been classified as a Variant of Uncertain Significance. An algorithm developed to predict the effect of missense changes on protein structure and function (PolyPhen-2) suggests that this variant is likely to be disruptive. This variant has not been reported in the literature in individuals affected with CTR9-related conditions. This variant is not present in population databases (gnomAD no frequency). This sequence change replaces proline, which is neutral and non-polar, with leucine, which is neutral and non-polar, at codon 25 of the CTR9 protein (p.Pro25Leu).

Literature cited by the submitters: PubMed 35468861 (cited by Ambry Genetics); PubMed 35499524 (cited by Ambry Genetics); PubMed 35717577 (cited by Ambry Genetics).

NM_014633.5(CTR9):c.74C>T (p.Pro25Leu)

Gene: CTR9 (CTR9 component of Paf1/RNA polymerase II complex; plus strand). Cytogenetic location: 11p15.4.
Variant type: single nucleotide variant.
Coding change: c.74C>T on transcript NM_014633.5 (MANE Select); coding-DNA position 74, C replaced by T.
Protein change: p.Pro25Leu; replaces proline 25 with leucine.
Molecular consequence: missense variant.
Genome position (GRCh38, 1-based): chr11:10,752,700, C>T. VCF-style: chr11-10752700-C-T. GRCh37 (hg19) VCF-style: chr11-10774247-C-T.
Other names: c.74C>T, p.Pro25Leu (NM_001346279.2); c.74C>T (NM_014633.3); short protein forms P25L.
Identifiers: ClinVar variation 2974634 (VCV002974634.4), dbSNP rs2135353126, ClinGen allele CA379675026.